The following is an entry in ClinVar:

NM_020975.6(RET):c.792C>G (p.Asp264Glu)

Gene: RET (ret proto-oncogene; plus strand). Cytogenetic location: 10q11.21.
Variant type: single nucleotide variant.
Coding change: c.792C>G on transcript NM_020975.6 (MANE Select); coding-DNA position 792, C replaced by G.
Protein change: p.Asp264Glu; replaces aspartic acid 264 with glutamic acid.
Molecular consequence: missense variant.
Genome position (GRCh38, 1-based): chr10:43,105,118, C>G. VCF-style: chr10-43105118-C-G. GRCh37 (hg19) VCF-style: chr10-43600566-C-G.
Other names: c.792C>G, p.Asp264Glu (NM_000323.2, NM_001406743.1, NM_001406744.1 and 8 more transcripts); c.30C>G, p.Asp10Glu (NM_001355216.2); c.663C>G, p.Asp221Glu (NM_001406761.1, NM_001406762.1, NM_001406764.1 and 2 more transcripts); c.504C>G, p.Asp168Glu (NM_001406766.1, NM_001406767.1, NM_001406770.1); short protein forms D264E, D10E, D168E, D221E.
Identifiers: ClinVar variation 633392 (VCV000633392.6), dbSNP rs1564491360, ClinGen allele CA376545094.

ClinVar aggregate classification (germline): Uncertain significance. Review status: criteria provided, multiple submitters, no conflicts (2 of 4 stars). 2 submissions from 2 submitters: Uncertain significance (2). Last evaluated 2022-09-09.

Conditions:
Multiple endocrine neoplasia, type 2 (MEN2). Identifiers: Orphanet 653, MedGen C4048306, MONDO:0019003. Disease mechanism: gain of function.

Submissions (2):

Labcorp Genetics (formerly Invitae), Labcorp
Classification: Uncertain significance for Multiple endocrine neoplasia, type 2. Last evaluated: 2022-09-09. Review status: criteria provided, single submitter. Criteria: Invitae Variant Classification Sherloc (09022015). Collection method: clinical testing. Allele origin: germline.
Comment: This sequence change replaces aspartic acid, which is acidic and polar, with glutamic acid, which is acidic and polar, at codon 264 of the RET protein (p.Asp264Glu). This variant is not present in population databases (gnomAD no frequency). This variant has not been reported in the literature in individuals affected with RET-related conditions. ClinVar contains an entry for this variant (Variation ID: 633392). Algorithms developed to predict the effect of missense changes on protein structure and function are either unavailable or do not agree on the potential impact of this missense change (SIFT: "Deleterious"; PolyPhen-2: "Benign"; Align-GVGD: "Class C0"). In summary, the available evidence is currently insufficient to determine the role of this variant in disease. Therefore, it has been classified as a Variant of Uncertain Significance.

Women's Health and Genetics/Laboratory Corporation of America, LabCorp
Classification: Uncertain significance. Last evaluated: 2018-09-13. Review status: criteria provided, single submitter. Criteria: LabCorp Variant Classification Summary - May 2015. Collection method: clinical testing. Allele origin: germline.
Comment: Variant summary: RET c.792C>G (p.Asp264Glu) results in a conservative amino acid change in the encoded protein sequence. Three of five in-silico tools predict a damaging effect of the variant on protein function. The variant was absent in 241758 control chromosomes (gnomAD). The available data on variant occurrences in the general population are insufficient to allow any conclusion about variant significance. To our knowledge, no occurrence of c.792C>G in individuals affected with Multiple Endocrine Neoplasia Type 2 and no experimental evidence demonstrating its impact on protein function have been reported. No clinical diagnostic laboratories have submitted clinical-significance assessments for this variant to ClinVar after 2014. Based on the evidence outlined above, the variant was classified as uncertain significance.